The following is an entry in ClinVar:

NM_004260.4(RECQL4):c.2936G>C (p.Gly979Ala)

Gene: RECQL4 (RecQ like helicase 4; minus strand). Cytogenetic location: 8q24.3.
Variant type: single nucleotide variant.
Coding change: c.2936G>C on transcript NM_004260.4 (MANE Select); coding-DNA position 2936, G replaced by C.
Protein change: p.Gly979Ala; replaces glycine 979 with alanine.
Molecular consequence: missense variant. On other transcripts: non-coding transcript variant (3).
Genome position (GRCh38, 1-based): chr8:144,512,511, C>G on the plus strand (G>C on the coding strand, the complement: RECQL4 is on the minus strand). VCF-style: chr8-144512511-C-G. GRCh37 (hg19) VCF-style: chr8-145737894-C-G.
Other names: c.2642G>C, p.Gly881Ala (NM_001413017.1); c.2738G>C, p.Gly913Ala (NM_001413018.1); c.3011G>C, p.Gly1004Ala (NM_001413019.1); c.2840G>C, p.Gly947Ala (NM_001413020.1); c.1865G>C, p.Gly622Ala (NM_001413021.1, NM_001413022.1, NM_001413024.1 and 4 more transcripts); c.1940G>C, p.Gly647Ala (NM_001413023.1); c.2807G>C, p.Gly936Ala (NM_001413025.1); c.1799G>C, p.Gly600Ala (NM_001413027.1, NM_001413030.1, NM_001413032.1); and 9 more; short protein forms G578A, G622A, G913A, G935A, G969A, G1004A, G625A, G979A.
Identifiers: ClinVar variation 4152363 (VCV004152363.1).

ClinVar aggregate classification (germline): Uncertain significance (1 of 4 stars; one submission).

Conditions:
Inborn genetic diseases. Identifiers: MedGen C0950123, MeSH D030342.

Submission:

Ambry Genetics
Classification: Uncertain significance for Inborn genetic diseases. Last evaluated: 2025-07-02. Review status: criteria provided, single submitter. Criteria: Ambry Variant Classification Scheme 2023. Collection method: clinical testing. Allele origin: germline.
Comment: The p.G979A variant (also known as c.2936G>C), located in coding exon 17 of the RECQL4 gene, results from a G to C substitution at nucleotide position 2936. The glycine at codon 979 is replaced by alanine, an amino acid with similar properties. This amino acid position is conserved. In addition, this alteration is predicted to be tolerated by in silico analysis. Based on the available evidence, the clinical significance of this variant remains unclear.